The following is an entry in ClinVar:

NM_002693.3(POLG):c.3240C>G (p.Ser1080Arg)

Gene: POLG (DNA polymerase gamma, catalytic subunit; minus strand). Cytogenetic location: 15q26.1.
Variant type: single nucleotide variant.
Coding change: c.3240C>G on transcript NM_002693.3 (MANE Select); coding-DNA position 3240, C replaced by G.
Protein change: p.Ser1080Arg; replaces serine 1080 with arginine.
Molecular consequence: missense variant.
Genome position (GRCh38, 1-based): chr15:89,318,964, G>C on the plus strand (C>G on the coding strand, the complement: POLG is on the minus strand). VCF-style: chr15-89318964-G-C. GRCh37 (hg19) VCF-style: chr15-89862195-G-C.
Other names: c.3240C>G, p.Ser1080Arg (NM_001126131.2); short protein forms S1080R.
Identifiers: ClinVar variation 2802227 (VCV002802227.3), dbSNP rs2509206907, ClinGen allele CA393750532.

ClinVar aggregate classification (germline): Uncertain significance (1 of 4 stars; one submission).

Conditions:
Progressive sclerosing poliodystrophy (MTDPS4A). Also called: ALPERS PROGRESSIVE INFANTILE POLIODYSTROPHY; NEURONAL DEGENERATION OF CHILDHOOD WITH LIVER DISEASE, PROGRESSIVE; Alpers Syndrome; ALPERS DIFFUSE DEGENERATION OF CEREBRAL GRAY MATTER WITH HEPATIC CIRRHOSIS; Alpers-Huttenlocher Syndrome; Mitochondrial DNA Depletion Syndrome 4A. Identifiers: Orphanet 726, MedGen C0205710, MONDO:0008758, OMIM 203700.

Submission:

Labcorp Genetics (formerly Invitae), Labcorp
Classification: Uncertain significance for Progressive sclerosing poliodystrophy. Last evaluated: 2025-07-08. Review status: criteria provided, single submitter. Criteria: Invitae Variant Classification Sherloc (09022015). Collection method: clinical testing. Allele origin: germline.
Comment: This sequence change replaces serine, which is neutral and polar, with arginine, which is basic and polar, at codon 1080 of the POLG protein (p.Ser1080Arg). This variant is not present in population databases (gnomAD no frequency). This variant has not been reported in the literature in individuals affected with POLG-related conditions. ClinVar contains an entry for this variant (Variation ID: 2802227). Invitae Evidence Modeling of protein sequence and biophysical properties (such as structural, functional, and spatial information, amino acid conservation, physicochemical variation, residue mobility, and thermodynamic stability) indicates that this missense variant is expected to disrupt POLG protein function with a positive predictive value of 95%. In summary, the available evidence is currently insufficient to determine the role of this variant in disease. Therefore, it has been classified as a Variant of Uncertain Significance.